The following is an entry in ClinVar:

NM_000218.3(KCNQ1):c.1707G>A (p.Lys569=)

Gene: KCNQ1 (potassium voltage-gated channel subfamily Q member 1; plus strand). Cytogenetic location: 11p15.5.
Variant type: single nucleotide variant.
Coding change: c.1707G>A on transcript NM_000218.3 (MANE Select); coding-DNA position 1707, G replaced by A.
Protein change: p.Lys569=; no amino-acid change (lysine 569 retained).
Molecular consequence: synonymous variant.
Genome position (GRCh38, 1-based): chr11:2,777,007, G>A. VCF-style: chr11-2777007-G-A. GRCh37 (hg19) VCF-style: chr11-2798237-G-A.
Other names: c.1611G>A, p.Lys537= (NM_001406836.1); c.1437G>A, p.Lys479= (NM_001406837.1); c.1167G>A, p.Lys389= (NM_001406838.1); c.1326G>A, p.Lys442= (NM_181798.2).
Identifiers: ClinVar variation 456861 (VCV000456861.15), dbSNP rs1288914203, ClinGen allele CA472465277.
Genomic context (GRCh38, chr11:2,777,007, plus strand): 5'-GGGCCAGGTGTGAACTGGTGTCTGTGTCCTTCTCTCCAGGCTGGACCAGTCCATTGGGAA[G>A]CCCTCACTGTTCATCTCCGTCTCAGGTGGGTTTCTGTGTCAGTTACTCTGGGCCCAGCAG-3'
Protein context (NP_000209.2, residues 559-579): LQRRLDQSIG[Lys569=]PSLFISVSEK

ClinVar aggregate classification (germline): Likely benign. Review status: criteria provided, multiple submitters, no conflicts (2 of 4 stars). 4 submissions from 4 submitters: Likely benign (4). Last evaluated 2025-12-09.

Conditions:
Cardiac arrhythmia. Also called: Cardiac rhythm disease; Arrhythmia. Identifiers: MedGen C0003811, MONDO:0007263, HP:0011675.
Long QT syndrome (LQTS). Identifiers: MedGen C0023976, MeSH D008133, MONDO:0002442. Disease mechanism: loss of function. Inheritance: Various modes of inheritance.

Allele frequency attached by ClinVar (database versions not stated): gnomAD exomes below 0.00001 and 0.00001.
gnomAD v4.1: 8 of 1,614,156 alleles (0.0005%); highest among the groups gnomAD compares: Middle Eastern, 0.016%; no homozygotes.

Submissions (4):

Labcorp Genetics (formerly Invitae), Labcorp
Classification: Likely benign for Long QT syndrome. Last evaluated: 2025-12-09. Review status: criteria provided, single submitter. Criteria: Invitae Variant Classification Sherloc (09022015). Collection method: clinical testing. Allele origin: germline.

All of Us Research Program, National Institutes of Health
Classification: Likely benign for Long QT syndrome. Last evaluated: 2024-09-03. Review status: criteria provided, single submitter. Criteria: ACMG Guidelines, 2015. Collection method: clinical testing. Allele origin: germline. Inheritance: Autosomal dominant inheritance. Observed: 1 variant allele, 1 heterozygote.
Comment: This study involves interpretation of variants in research participants for the purpose of population health screening. Participant phenotype was not available at the time of variant classification. Additional details can be found in publication PMID: 35346344, PMCID: PMC8962531

Blueprint Genetics
Classification: Likely benign. Last evaluated: 2024-06-25. Review status: criteria provided, single submitter. Criteria: ACMG Guidelines, 2015. Collection method: clinical testing. Allele origin: germline.

Color Diagnostics, LLC DBA Color Health
Classification: Likely benign for Arrhythmia. Last evaluated: 2019-06-22. Review status: criteria provided, single submitter. Criteria: ACMG Guidelines, 2015. Collection method: clinical testing. Allele origin: germline.